The following is an entry in ClinVar:

NM_001148.6(ANK2):c.5201A>G (p.Glu1734Gly)

Genes: ANK2 (ankyrin 2; plus strand), LOC126807136 (MED14-independent group 3 enhancer GRCh37_chr4:114274931-114276130; plus strand). Cytogenetic location: 4q26.
Variant type: single nucleotide variant.
Coding change: c.5201A>G on transcript NM_001148.6 (MANE Select); coding-DNA position 5201, A replaced by G.
Protein change: p.Glu1734Gly; replaces glutamic acid 1734 with glycine.
Molecular consequence: missense variant. On other transcripts: intron variant (68).
Genome position (GRCh38, 1-based): chr4:113,353,819, A>G. VCF-style: chr4-113353819-A-G. GRCh37 (hg19) VCF-style: chr4-114274975-A-G.
Other names: c.4967A>G, p.Glu1656Gly (NM_001386142.1); c.1601A>G, p.Glu534Gly (NM_001386166.1); c.5342A>G, p.Glu1781Gly (NM_001386174.1); c.5318A>G, p.Glu1773Gly (NM_001386175.1); c.4411+3570A>G (NM_001386186.2, NM_001386148.2); c.4213+3570A>G (NM_001354269.3); c.4291+3570A>G (NM_001386187.2); c.4252+3570A>G (NM_001386147.1); and 35 more; short protein forms E1734G, E1656G, E1773G, E1781G, E534G.
Identifiers: ClinVar variation 838463 (VCV000838463.11), dbSNP rs2095565316, ClinGen allele CA357918345.

ClinVar aggregate classification (germline): Uncertain significance. Review status: criteria provided, single submitter (1 of 4 stars). 2 submissions from 2 submitters: Uncertain significance (1). 1 of the submissions does not count toward it. Last evaluated 2022-02-05.

Conditions:
ANK2-related disorder. Also called: ANK2-related condition.
Long QT syndrome (LQTS). Identifiers: MedGen C0023976, MeSH D008133, MONDO:0002442. Disease mechanism: loss of function. Inheritance: Various modes of inheritance.

Submissions (2):

Labcorp Genetics (formerly Invitae), Labcorp
Classification: Uncertain significance for Long QT syndrome. Last evaluated: 2022-02-05. Review status: criteria provided, single submitter. Criteria: Invitae Variant Classification Sherloc (09022015). Collection method: clinical testing. Allele origin: germline.
Comment: ClinVar contains an entry for this variant (Variation ID: 838463). This variant has not been reported in the literature in individuals affected with ANK2-related conditions. This variant is not present in population databases (gnomAD no frequency). This sequence change replaces glutamic acid, which is acidic and polar, with glycine, which is neutral and non-polar, at codon 1734 of the ANK2 protein (p.Glu1734Gly). Algorithms developed to predict the effect of missense changes on protein structure and function are either unavailable or do not agree on the potential impact of this missense change (SIFT: "Deleterious"; PolyPhen-2: "Benign"; Align-GVGD: "Class C0"). In summary, the available evidence is currently insufficient to determine the role of this variant in disease. Therefore, it has been classified as a Variant of Uncertain Significance.

PreventionGenetics, part of Exact Sciences
Classification: Uncertain significance for ANK2-related condition. Last evaluated: 2024-06-28. Review status: no assertion criteria provided. Collection method: clinical testing. Allele origin: germline. Not counted in ClinVar's aggregate classification.
Comment: The ANK2 c.5201A>G variant is predicted to result in the amino acid substitution p.Glu1734Gly. To our knowledge, this variant has not been reported in the literature or in gnomAD, indicating this variant is rare. At this time, the clinical significance of this variant is uncertain due to the absence of conclusive functional and genetic evidence.